The following is an entry in ClinVar:

ClinVar aggregate classification (germline): Uncertain significance (1 of 4 stars; one submission).

Allele frequency attached by ClinVar (database versions not stated): gnomAD exomes below 0.00001.
gnomAD v4.1: 4 of 1,613,016 alleles (0.00025%); highest among the groups gnomAD compares: Non-Finnish European, 0.00034%; no homozygotes.

Submission:

Labcorp Genetics (formerly Invitae), Labcorp
Classification: Uncertain significance. Last evaluated: 2021-10-10. Review status: criteria provided, single submitter. Criteria: Invitae Variant Classification Sherloc (09022015). Collection method: clinical testing. Allele origin: germline.
Comment: In summary, the available evidence is currently insufficient to determine the role of this variant in disease. Therefore, it has been classified as a Variant of Uncertain Significance. Algorithms developed to predict the effect of missense changes on protein structure and function are either unavailable or do not agree on the potential impact of this missense change (SIFT: "Deleterious"; PolyPhen-2: "Benign"; Align-GVGD: "Class C65"). This sequence change replaces serine with alanine at codon 473 of the C2 protein (p.Ser473Ala). The serine residue is highly conserved and there is a moderate physicochemical difference between serine and alanine. This variant is not present in population databases (ExAC no frequency). This variant has not been reported in the literature in individuals affected with C2-related conditions.

NM_000063.6(C2):c.1417T>G (p.Ser473Ala)

Gene: C2 (complement C2; plus strand). Cytogenetic location: 6p21.33.
Variant type: single nucleotide variant.
Coding change: c.1417T>G on transcript NM_000063.6 (MANE Select); coding-DNA position 1417, T replaced by G.
Protein change: p.Ser473Ala; replaces serine 473 with alanine.
Molecular consequence: missense variant.
Genome position (GRCh38, 1-based): chr6:31,943,281, T>G. VCF-style: chr6-31943281-T-G. GRCh37 (hg19) VCF-style: chr6-31911058-T-G.
Other names: c.1021T>G, p.Ser341Ala (NM_001145903.3); c.775T>G, p.Ser259Ala (NM_001178063.3); c.679T>G, p.Ser227Ala (NM_001282457.2); c.1330T>G, p.Ser444Ala (NM_001282458.2); short protein forms S227A, S473A, S259A, S341A, S444A.
Identifiers: ClinVar variation 1385705 (VCV001385705.6), dbSNP rs1005875822, ClinGen allele CA136890666.